The following is an entry in ClinVar:

NM_006267.5(RANBP2):c.5929A>G (p.Lys1977Glu)

Gene: RANBP2 (RAN binding protein 2; plus strand). Cytogenetic location: 2q13.
Variant type: single nucleotide variant.
Coding change: c.5929A>G on transcript NM_006267.5 (MANE Select); coding-DNA position 5929, A replaced by G.
Protein change: p.Lys1977Glu; replaces lysine 1977 with glutamic acid.
Molecular consequence: missense variant.
Genome position (GRCh38, 1-based): chr2:108,766,468, A>G. VCF-style: chr2-108766468-A-G. GRCh37 (hg19) VCF-style: chr2-109382924-A-G.
Other names: short protein forms K1977E.
Identifiers: ClinVar variation 575341 (VCV000575341.9), dbSNP rs1558924921, ClinGen allele CA348074145.
Genomic context (GRCh38, chr2:108,766,468, plus strand): 5'-GAAGGATTTCAGTTTGGCAAAAAAGACCCCAATTTCAAGGGATTTTCAGGTGCTGGAGAA[A>G]AATTATTCTCATCACAATACGGTAAAATGGCCAATAAAGCAAACACTTCCGGTGACTTTG-3'
Protein context (NP_006258.3, residues 1967-1987): NFKGFSGAGE[Lys1977Glu]LFSSQYGKMA

ClinVar aggregate classification (germline): Uncertain significance (1 of 4 stars; one submission).

Conditions:
Familial acute necrotizing encephalopathy (IIAE3). Also called: ENCEPHALOPATHY, ACUTE, INFECTION-INDUCED, SUSCEPTIBILITY TO, 3; Susceptibility to Acute Necrotizing Encephalopathy 1. Identifiers: Orphanet 88619, MedGen C2675556, MONDO:0011953, OMIM 608033.

Submission:

Labcorp Genetics (formerly Invitae), Labcorp
Classification: Uncertain significance for Familial acute necrotizing encephalopathy. Last evaluated: 2022-02-24. Review status: criteria provided, single submitter. Criteria: Invitae Variant Classification Sherloc (09022015). Collection method: clinical testing. Allele origin: germline.
Comment: In summary, the available evidence is currently insufficient to determine the role of this variant in disease. Therefore, it has been classified as a Variant of Uncertain Significance. Algorithms developed to predict the effect of missense changes on protein structure and function (SIFT, PolyPhen-2, Align-GVGD) all suggest that this variant is likely to be disruptive. ClinVar contains an entry for this variant (Variation ID: 575341). This variant has not been reported in the literature in individuals affected with RANBP2-related conditions. This variant is not present in population databases (gnomAD no frequency). This sequence change replaces lysine, which is basic and polar, with glutamic acid, which is acidic and polar, at codon 1977 of the RANBP2 protein (p.Lys1977Glu).